The following is an entry in ClinVar:

ClinVar aggregate classification (germline): Benign/Likely benign. Review status: criteria provided, multiple submitters, no conflicts (2 of 4 stars). 3 submissions from 3 submitters: Benign (1); Likely benign (2). Last evaluated 2026-01-17.

Allele frequency attached by ClinVar (database versions not stated): gnomAD exomes 0.00030 and 0.00071; gnomAD 0.00293 and 0.00315; 1000 Genomes Project 30x 0.00297; ExAC 0.00081; 1000 Genomes Project 0.00280; TOPMed 0.00334; ESP Exome Variant Server 0.00361.
gnomAD v4.1: 908 of 1,614,154 alleles (0.056%); highest among the groups gnomAD compares: African/African-American, 0.99%; 8 homozygotes.

Submissions (3):

Labcorp Genetics (formerly Invitae), Labcorp
Classification: Benign. Last evaluated: 2026-01-17. Review status: criteria provided, single submitter. Criteria: Invitae Variant Classification Sherloc (09022015). Collection method: clinical testing. Allele origin: germline.

CeGaT Center for Human Genetics Tuebingen
Classification: Likely benign. Last evaluated: 2025-11-01. Review status: criteria provided, single submitter. Criteria: CeGaT Center For Human Genetics Tuebingen Variant Classification Criteria Version 2. Collection method: clinical testing. Allele origin: germline. Affected: yes. Observed: 5 variant alleles.
Comment: DLL1: BP4, BP7

Blueprint Genetics
Classification: Likely benign. Last evaluated: 2024-04-11. Review status: criteria provided, single submitter. Criteria: ACMG Guidelines, 2015. Collection method: clinical testing. Allele origin: germline.

NM_005618.4(DLL1):c.1017C>T (p.Asn339=)

Gene: DLL1 (delta like canonical Notch ligand 1; minus strand). Cytogenetic location: 6q27.
Variant type: single nucleotide variant.
Coding change: c.1017C>T on transcript NM_005618.4 (MANE Select); coding-DNA position 1017, C replaced by T.
Protein change: p.Asn339=; no amino-acid change (asparagine 339 retained).
Molecular consequence: synonymous variant.
Genome position (GRCh38, 1-based): chr6:170,285,269, G>A on the plus strand (C>T on the coding strand, the complement: DLL1 is on the minus strand). VCF-style: chr6-170285269-G-A. GRCh37 (hg19) VCF-style: chr6-170594357-G-A.
Identifiers: ClinVar variation 778931 (VCV000778931.34), dbSNP rs146213588, ClinGen allele CA4106962.
Genomic context (GRCh38, chr6:170,285,269, plus strand): 5'-GGCACCCCAGCTTCCGGGTGAGATGCCATGGAGCCTCCGACTCACCGTGCAGCTCCCTCC[G>A]TTCTTACAAGGGCTGGGGTCACACTCGTCAATCCCCAGCTCGCAGGTGGCACCTGTGTAC-3'
Protein context (NP_005609.3, residues 329-349): IDECDPSPCK[Asn339=]GGSCTDLENS